The following is an entry in ClinVar:

NC_012920.1(MT-CYB):m.15041G>A

Gene: MT-CYB (mitochondrially encoded cytochrome b; plus strand).
Variant type: single nucleotide variant.
Genome position: chrM-15041-G-A.
Identifiers: ClinVar variation 4795908 (VCV004795908.1).

ClinVar aggregate classification (germline): Likely pathogenic (1 of 4 stars; one submission).

Conditions:
Primary Mitochondrial Disorders. Identifiers: MedGen CN381104.

Submission:

Variantyx, Inc.
Classification: Likely pathogenic for Primary mitochondrial disorders. Last evaluated: 2026-01-12. Review status: criteria provided, single submitter. Criteria: Variantyx Assertion Criteria 2022. Collection method: clinical testing. Allele origin: germline.
Comment: The m.15041G>A, c.295G>A, p.Gly99* change is a nonsense variant in the MT-CYB gene. Pathogenic variants in this gene have been associated with primary mitochondrial disorders. The alteration introduces a premature termination codon, and is expected to alter or truncate at least 10% of the protein (PVS1). This variant is absent from control populations (PM2). Based on the current evidence, this variant is classified as likely pathogenic for primary mitochondrial disorders.